The following is an entry in ClinVar:

ClinVar aggregate classification (germline): Uncertain significance (1 of 4 stars; one submission).

Submission:

Ambry Genetics
Classification: Uncertain significance. Last evaluated: 2025-09-10. Review status: criteria provided, single submitter. Criteria: Ambry Variant Classification Scheme 2023. Collection method: clinical testing. Allele origin: germline.
Comment: The p.P731S variant (also known as c.2191C>T) is located in coding exon 10 of the WNK2 gene. The proline at codon 731 is replaced by serine, an amino acid with similar properties. This change occurs in the first base pair of coding exon 10. This amino acid position is conserved. In addition, this alteration is predicted to be tolerated by in silico analysis. Based on the available evidence, the clinical significance of this variant remains unclear.

NM_006648.4(WNK2):c.2191C>T (p.Pro731Ser)

Gene: WNK2 (WNK lysine deficient protein kinase 2; plus strand). Cytogenetic location: 9q22.31.
Variant type: single nucleotide variant.
Coding change: c.2191C>T on transcript NM_006648.4 (MANE Select); coding-DNA position 2191, C replaced by T.
Protein change: p.Pro731Ser; replaces proline 731 with serine.
Molecular consequence: missense variant.
Genome position (GRCh38, 1-based): chr9:93,256,948, C>T. VCF-style: chr9-93256948-C-T. GRCh37 (hg19) VCF-style: chr9-96019230-C-T.
Other names: c.2191C>T, p.Pro731Ser (NM_001282394.3); short protein forms P731S.
Identifiers: ClinVar variation 4201889 (VCV004201889.1).
Genomic context (GRCh38, chr9:93,256,948, plus strand): 5'-TGGGGTGCGCTTGTCTGGGCAGATTGGTGGTCTAAGGGGAGCTACCTTCTCTCCCTCTAG[C>T]CTCCTCCGCTGGCCCAGCCGACACCCCTGCCGCAGGTCCTGGCCCCACAGCCCGTGGTCC-3'
Protein context (NP_006639.3, residues 721-741): PGQPAPPGQQ[Pro731Ser]PPLAQPTPLP